The following is an entry in ClinVar:

ClinVar aggregate classification (germline): Uncertain significance (1 of 4 stars; one submission).

Conditions:
ALG1-congenital disorder of glycosylation. Also called: ALG1-CDG; CDG Ik; CONGENITAL DISORDER OF GLYCOSYLATION, TYPE Ik. Identifiers: Orphanet 79327, MedGen C2931005, MONDO:0012052, OMIM 608540.

Allele frequency attached by ClinVar (database versions not stated): gnomAD 0.00001 and 0.00002; TOPMed 0.00001; ExAC 0.00002; 1000 Genomes Project 30x 0.00016; 1000 Genomes Project 0.00020.

Submission:

Labcorp Genetics (formerly Invitae), Labcorp
Classification: Uncertain significance for ALG1-congenital disorder of glycosylation. Last evaluated: 2022-09-06. Review status: criteria provided, single submitter. Criteria: Invitae Variant Classification Sherloc (09022015). Collection method: clinical testing. Allele origin: germline.
Comment: This sequence change replaces arginine, which is basic and polar, with glutamine, which is neutral and polar, at codon 200 of the ALG1 protein (p.Arg200Gln). This variant is present in population databases (rs199674071, gnomAD 0.01%). This variant has not been reported in the literature in individuals affected with ALG1-related conditions. ClinVar contains an entry for this variant (Variation ID: 1418825). Advanced modeling of protein sequence and biophysical properties (such as structural, functional, and spatial information, amino acid conservation, physicochemical variation, residue mobility, and thermodynamic stability) performed at Invitae indicates that this missense variant is not expected to disrupt ALG1 protein function. In summary, the available evidence is currently insufficient to determine the role of this variant in disease. Therefore, it has been classified as a Variant of Uncertain Significance.

NM_019109.5(ALG1):c.599G>A (p.Arg200Gln)

Gene: ALG1 (ALG1 chitobiosyldiphosphodolichol beta-mannosyltransferase; plus strand). Cytogenetic location: 16p13.3.
Variant type: single nucleotide variant.
Coding change: c.599G>A on transcript NM_019109.5 (MANE Select); coding-DNA position 599, G replaced by A.
Protein change: p.Arg200Gln; replaces arginine 200 with glutamine.
Molecular consequence: missense variant.
Genome position (GRCh38, 1-based): chr16:5,077,504, G>A. VCF-style: chr16-5077504-G-A. GRCh37 (hg19) VCF-style: chr16-5127505-G-A.
Other names: c.266G>A, p.Arg89Gln (NM_001330504.2); short protein forms R200Q, R89Q.
Identifiers: ClinVar variation 1418825 (VCV001418825.3), dbSNP rs199674071, ClinGen allele CA7889903.